The following is an entry in ClinVar:

ClinVar aggregate classification (germline): Uncertain significance. Review status: criteria provided, multiple submitters, no conflicts (2 of 4 stars). 2 submissions from 2 submitters: Uncertain significance (2). Last evaluated 2026-05-29.

Allele frequency attached by ClinVar (database versions not stated): gnomAD exomes 0.00006 and 0.00010; ExAC 0.00011; 1000 Genomes Project 0.00020; gnomAD 0.00047 and 0.00045; TOPMed 0.00051; ESP Exome Variant Server 0.00062; 1000 Genomes Project 30x 0.00031.
gnomAD v4.1: 157 of 1,614,038 alleles (0.0097%); highest among the groups gnomAD compares: African/African-American, 0.16%; no homozygotes.

Submissions (2):

Women's Health and Genetics/Laboratory Corporation of America, LabCorp
Classification: Uncertain significance. Last evaluated: 2026-05-29. Review status: criteria provided, single submitter. Criteria: LabCorp Variant Classification Summary - May 2015. Collection method: clinical testing. Allele origin: germline.
Comment: Variant summary: ARHGEF10 c.2342C>T (p.Ala781Val) results in a non-conservative amino acid change in the encoded protein sequence. Algorithms developed to predict the effect of missense changes on protein structure and function are either unavailable or do not agree on the potential impact of this missense change. The variant allele was found at a frequency of 9.6e-05 in 250798 control chromosomes. This frequency is not significantly higher than estimated for disease-causing variants in ARHGEF10, allowing no conclusion about variant significance. To our knowledge, no occurrence of c.2342C>T in individuals affected with ARHGEF10-related conditions and no experimental evidence demonstrating its impact on protein function have been reported. ClinVar contains an entry for this variant (Variation ID: 1498149). Based on the evidence outlined above, the variant was classified as uncertain significance.

Labcorp Genetics (formerly Invitae), Labcorp
Classification: Uncertain significance. Last evaluated: 2026-01-27. Review status: criteria provided, single submitter. Criteria: Invitae Variant Classification Sherloc (09022015). Collection method: clinical testing. Allele origin: germline.
Comment: This sequence change replaces alanine, which is neutral and non-polar, with valine, which is neutral and non-polar, at codon 781 of the ARHGEF10 protein (p.Ala781Val). This variant is present in population databases (rs143459815, gnomAD 0.1%), and has an allele count higher than expected for a pathogenic variant. This variant has not been reported in the literature in individuals affected with ARHGEF10-related conditions. ClinVar contains an entry for this variant (Variation ID: 1498149). Invitae Evidence Modeling of protein sequence and biophysical properties (such as structural, functional, and spatial information, amino acid conservation, physicochemical variation, residue mobility, and thermodynamic stability) indicates that this missense variant is not expected to disrupt ARHGEF10 protein function with a negative predictive value of 80%. In summary, the available evidence is currently insufficient to determine the role of this variant in disease. Therefore, it has been classified as a Variant of Uncertain Significance.

NM_014629.4(ARHGEF10):c.2342C>T (p.Ala781Val)

Gene: ARHGEF10 (Rho guanine nucleotide exchange factor 10; plus strand). Cytogenetic location: 8p23.3.
Variant type: single nucleotide variant.
Coding change: c.2342C>T on transcript NM_014629.4 (MANE Select); coding-DNA position 2342, C replaced by T.
Protein change: p.Ala781Val; replaces alanine 781 with valine.
Molecular consequence: missense variant.
Genome position (GRCh38, 1-based): chr8:1,923,550, C>T. VCF-style: chr8-1923550-C-T. GRCh37 (hg19) VCF-style: chr8-1871716-C-T.
Other names: c.2228C>T, p.Ala743Val (NM_001308152.2); c.2342C>T, p.Ala781Val (NM_001308153.3); short protein forms A743V, A781V, A805V.
Identifiers: ClinVar variation 1498149 (VCV001498149.7), dbSNP rs143459815, ClinGen allele CA4600836.